The following is an entry in ClinVar:

ClinVar aggregate classification (germline): Benign. Review status: criteria provided, multiple submitters, no conflicts (2 of 4 stars). 2 submissions from 2 submitters: Benign (2). Last evaluated 2018-06-14.

Conditions:
Maturity-onset diabetes of the young (MODY). Also called: Maturity onset diabetes mellitus in young. Identifiers: Orphanet 552, MedGen C0342276, MONDO:0018911, HP:0004904.

Allele frequency attached by ClinVar (database versions not stated): TOPMed 0.69921; 1000 Genomes Project 30x 0.80528; 1000 Genomes Project 0.80911.
gnomAD v4.1: 105,052 of 152,154 alleles (69%); highest among the groups gnomAD compares: East Asian, 97%; 37,937 homozygotes.

Submissions (2):

GeneDx
Classification: Benign. Last evaluated: 2018-06-14. Review status: criteria provided, single submitter. Criteria: GeneDx Variant Classification (06012015). Collection method: clinical testing. Allele origin: germline. Affected: yes.
Comment: This variant is considered likely benign or benign based on one or more of the following criteria: it is a conservative change, it occurs at a poorly conserved position in the protein, it is predicted to be benign by multiple in silico algorithms, and/or has population frequency not consistent with disease.

Clinical Genomics, Uppaluri K&H Personalized Medicine Clinic
Classification: Benign for Maturity-onset diabetes of the young. Review status: criteria provided, single submitter. Criteria: K & H Uppaluri Personalized Medicine Clinic Variant Classification & Assertion Criteria_Updated V.1. Collection method: research. Allele origin: unknown. Inheritance: Autosomal dominant inheritance.
Comment: Potent mutations in HNF4A are associated with poor insulin secretion in response to hyperglycemia. Associated with MODY1. Patients initially respond well to sulfonylureas but eventually become insulin dependent. However, more evidence is required to ascertain the role of this particular variant rs3212184 in MODY, yet.

Literature cited by the submitters: DOI 10.1159/000334532 (cited by Clinical Genomics, Uppaluri K&H Personalized Medicine Clinic); PubMed 18268044 (cited by Clinical Genomics, Uppaluri K&H Personalized Medicine Clinic); PubMed 17563455 (cited by Clinical Genomics, Uppaluri K&H Personalized Medicine Clinic); PubMed 32583173 (cited by Clinical Genomics, Uppaluri K&H Personalized Medicine Clinic); PubMed 35052457 (cited by Clinical Genomics, Uppaluri K&H Personalized Medicine Clinic); PubMed 35118593 (cited by Clinical Genomics, Uppaluri K&H Personalized Medicine Clinic).

NM_175914.5(HNF4A):c.224+288G>C

Gene: HNF4A (hepatocyte nuclear factor 4 alpha; plus strand). Cytogenetic location: 20q13.12.
Variant type: single nucleotide variant.
Coding change: c.224+288G>C on transcript NM_175914.5 (MANE Select); 288 bases into the intron after coding-DNA position 224, G replaced by C.
Molecular consequence: intron variant.
Genome position (GRCh38, 1-based): chr20:44,406,520, G>C. VCF-style: chr20-44406520-G-C. GRCh37 (hg19) VCF-style: chr20-43035160-G-C.
Other names: c.215+288G>C (NM_001287182.2, NM_001287183.2, NM_001287184.2); c.224+288G>C (NM_001030003.3, NM_001030004.3); c.269+288G>C (NM_001258355.2); c.290+288G>C (NM_178849.3, NM_000457.6, NM_178850.3).
Identifiers: ClinVar variation 667607 (VCV000667607.2), dbSNP rs3212184, ClinGen allele CA14788734.